The following is an entry in ClinVar:

NM_001199397.3(NEK1):c.868+39A>G

Gene: NEK1 (NIMA related kinase 1; minus strand). Cytogenetic location: 4q33.
Variant type: single nucleotide variant.
Coding change: c.868+39A>G on transcript NM_001199397.3 (MANE Select); 39 bases into the intron after coding-DNA position 868, A replaced by G.
Molecular consequence: intron variant.
Genome position (GRCh38, 1-based): chr4:169,580,803, T>C on the plus strand (A>G on the coding strand, the complement: NEK1 is on the minus strand). VCF-style: chr4-169580803-T-C. GRCh37 (hg19) VCF-style: chr4-170501954-T-C.
Other names: c.868+39A>G (NM_001374421.1, NM_001374420.1, NM_001199399.3 and 7 more transcripts).
Identifiers: ClinVar variation 674993 (VCV000674993.2), dbSNP rs7670271, ClinGen allele CA3137931.

ClinVar aggregate classification (germline): Benign. Review status: criteria provided, multiple submitters, no conflicts (2 of 4 stars). 2 submissions from 2 submitters: Benign (2). Last evaluated 2018-06-17.

Allele frequency attached by ClinVar (database versions not stated): gnomAD exomes 0.18179 and 0.18462; ExAC 0.21530; ESP Exome Variant Server 0.27013; gnomAD 0.28358 and 0.29253; TOPMed 0.29941; 1000 Genomes Project 0.30451; 1000 Genomes Project 30x 0.31246.
gnomAD v4.1: 240,183 of 1,231,082 alleles (20%); highest among the groups gnomAD compares: African/African-American, 58%; 29,365 homozygotes.

Submissions (2):

GeneDx
Classification: Benign. Last evaluated: 2018-06-17. Review status: criteria provided, single submitter. Criteria: GeneDx Variant Classification (06012015). Collection method: clinical testing. Allele origin: germline. Affected: yes.
Comment: This variant is considered likely benign or benign based on one or more of the following criteria: it is a conservative change, it occurs at a poorly conserved position in the protein, it is predicted to be benign by multiple in silico algorithms, and/or has population frequency not consistent with disease.

Breakthrough Genomics
Classification: Benign. Review status: criteria provided, single submitter. Criteria: ACMG Guidelines, 2015. Collection method: not provided. Allele origin: germline. Inheritance: Autosomal recessive inheritance. Affected: yes.